The following is an entry in ClinVar:

ClinVar aggregate classification (germline): Conflicting classifications of pathogenicity. Review status: criteria provided, conflicting classifications (1 of 4 stars). 2 submissions from 2 submitters: Uncertain significance (1); Likely benign (1). Last evaluated 2025-04-25.

Allele frequency attached by ClinVar (database versions not stated): ExAC 0.00001; gnomAD exomes 0.00001 and below 0.00001; TOPMed 0.00001.
gnomAD v4.1: 7 of 1,613,880 alleles (0.00043%); highest among the groups gnomAD compares: South Asian, 0.0011%; no homozygotes.

Submissions (2):

Dasa
Classification: Uncertain significance. Last evaluated: 2025-04-25. Review status: criteria provided, single submitter. Criteria: DASA Assertion Criteria. Collection method: clinical testing. Allele origin: germline.
Comment: NM_001267550.2(TTN):c.93782G>A (p.Arg31261Gln) is a missense variant that results in the substitution of arginine with glutamine. This variant is rare in population databases. Computational prediction algorithms are consistent with a benign effect. The currently available literature and clinical evidence are not sufficient to establish a definitive association between this variant and the reported condition. Therefore, this variant is classified as a variant of uncertain significance.

GeneDx
Classification: Likely benign. Last evaluated: 2018-06-05. Review status: criteria provided, single submitter. Criteria: GeneDx Variant Classification (06012015). Collection method: clinical testing. Allele origin: germline. Affected: yes.
Comment: This variant is considered likely benign or benign based on one or more of the following criteria: it is a conservative change, it occurs at a poorly conserved position in the protein, it is predicted to be benign by multiple in silico algorithms, and/or has population frequency not consistent with disease.

NM_001267550.2(TTN):c.93782G>A (p.Arg31261Gln)

Genes: TTN (titin; minus strand), TTN-AS1 (TTN antisense RNA 1; plus strand). Cytogenetic location: 2q31.2.
Variant type: single nucleotide variant.
Coding change: c.93782G>A on transcript NM_001267550.2 (MANE Select); coding-DNA position 93782, G replaced by A.
Protein change: p.Arg31261Gln; replaces arginine 31261 with glutamine.
Molecular consequence: missense variant.
Genome position (GRCh38, 1-based): chr2:178,547,844, C>T on the plus strand (G>A on the coding strand, the complement: TTN is on the minus strand). VCF-style: chr2-178547844-C-T. GRCh37 (hg19) VCF-style: chr2-179412571-C-T.
Other names: c.88859G>A, p.Arg29620Gln (NM_001256850.1); c.66587G>A, p.Arg22196Gln (NM_003319.4); c.86078G>A, p.Arg28693Gln (NM_133378.4); c.66962G>A, p.Arg22321Gln (NM_133432.3); c.67163G>A, p.Arg22388Gln (NM_133437.4); short protein forms R22388Q, R29620Q, R22321Q, R31261Q, R22196Q, R28693Q.
Identifiers: ClinVar variation 670718 (VCV000670718.3), dbSNP rs755974993, ClinGen allele CA1987249.